The following is an entry in ClinVar:

ClinVar aggregate classification (germline): Uncertain significance (1 of 4 stars; one submission).

Allele frequency attached by ClinVar (database versions not stated): gnomAD 0.00001; 1000 Genomes Project 30x 0.00031.
gnomAD v4.1: 1 of 1,612,700 alleles (0.000062%); highest among the groups gnomAD compares: African/African-American, 0.0013%; no homozygotes.

Submission:

GeneDx
Classification: Uncertain significance. Last evaluated: 2018-10-04. Review status: criteria provided, single submitter. Criteria: GeneDx Variant Classification (06012015). Collection method: clinical testing. Allele origin: germline. Affected: yes.
Comment: Missense variants in the TTN gene are considered 'unclassified' if they are not previously reported in the literature and do not have >1% frequency in the population to be considered a polymorphism. Research indicates that truncating variants in the TTN gene are expected to account for approximately 25% of familial and 18% of sporadic idiopathic DCM; however, truncating variants in the TTN gene have been reported in approximately 3% of reported control alleles. There has been little investigation into non-truncating variants. (Herman D et al. Truncations of titin causing dilated cardiomyopathy. N Eng J Med 366:619-628, 2012). Therefore, based on the currently available information, it is unclear whether this variant is a pathogenic variant or a rare benign variant.

NM_001267550.2(TTN):c.47436A>T (p.Arg15812Ser)

Genes: TTN (titin; minus strand), TTN-AS1 (TTN antisense RNA 1; plus strand). Cytogenetic location: 2q31.2.
Variant type: single nucleotide variant.
Coding change: c.47436A>T on transcript NM_001267550.2 (MANE Select); coding-DNA position 47436, A replaced by T.
Protein change: p.Arg15812Ser; replaces arginine 15812 with serine.
Molecular consequence: missense variant.
Genome position (GRCh38, 1-based): chr2:178,617,915, T>A on the plus strand (A>T on the coding strand, the complement: TTN is on the minus strand). VCF-style: chr2-178617915-T-A. GRCh37 (hg19) VCF-style: chr2-179482642-T-A.
Other names: p.R14171S:AGA>AGT; c.42513A>T, p.Arg14171Ser (NM_001256850.1); c.20241A>T, p.Arg6747Ser (NM_003319.4); c.39732A>T, p.Arg13244Ser (NM_133378.4); c.20616A>T, p.Arg6872Ser (NM_133432.3); c.20817A>T, p.Arg6939Ser (NM_133437.4); short protein forms R14171S, R15812S, R6747S, R6939S, R13244S, R6872S.
Identifiers: ClinVar variation 202656 (VCV000202656.2), dbSNP rs794729442, ClinGen allele CA309890.